The following is an entry in ClinVar:

ClinVar aggregate classification (germline): Likely benign. Review status: criteria provided, multiple submitters, no conflicts (2 of 4 stars). 3 submissions from 3 submitters: Likely benign (3). Last evaluated 2026-01-17.

Allele frequency attached by ClinVar (database versions not stated): TOPMed 0.00005; gnomAD exomes 0.00007 and 0.00015; ESP Exome Variant Server 0.00008; gnomAD 0.00008 and 0.00009; ExAC 0.00028.
gnomAD v4.1: 113 of 1,610,856 alleles (0.007%); highest among the groups gnomAD compares: South Asian, 0.012%; no homozygotes.

Submissions (3):

Labcorp Genetics (formerly Invitae), Labcorp
Classification: Likely benign. Last evaluated: 2026-01-17. Review status: criteria provided, single submitter. Criteria: Invitae Variant Classification Sherloc (09022015). Collection method: clinical testing. Allele origin: germline.

CeGaT Center for Human Genetics Tuebingen
Classification: Likely benign. Last evaluated: 2025-12-01. Review status: criteria provided, single submitter. Criteria: CeGaT Center For Human Genetics Tuebingen Variant Classification Criteria Version 2. Collection method: clinical testing. Allele origin: germline. Affected: yes. Observed: 1 variant allele.
Comment: ABCC6: BP4, BP7

Blueprint Genetics
Classification: Likely benign. Last evaluated: 2023-05-26. Review status: criteria provided, single submitter. Criteria: ACMG Guidelines, 2015. Collection method: clinical testing. Allele origin: germline.

NM_001171.6(ABCC6):c.2973C>T (p.Phe991=)

Gene: ABCC6 (ATP binding cassette subfamily C member 6; minus strand). Cytogenetic location: 16p13.11.
Variant type: single nucleotide variant.
Coding change: c.2973C>T on transcript NM_001171.6 (MANE Select); coding-DNA position 2973, C replaced by T.
Protein change: p.Phe991=; no amino-acid change (phenylalanine 991 retained).
Molecular consequence: synonymous variant. On other transcripts: non-coding transcript variant (1).
Genome position (GRCh38, 1-based): chr16:16,169,668, G>A on the plus strand (C>T on the coding strand, the complement: ABCC6 is on the minus strand). VCF-style: chr16-16169668-G-A. GRCh37 (hg19) VCF-style: chr16-16263525-G-A.
Other names: c.2631C>T, p.Phe877= (NM_001351800.1).
Identifiers: ClinVar variation 1659986 (VCV001659986.14), dbSNP rs375767696, ClinGen allele CA7925731.